The following is an entry in ClinVar:

NM_020911.2(PLXNA4):c.841G>A (p.Val281Met)

Gene: PLXNA4 (plexin A4; minus strand). Cytogenetic location: 7q32.3.
Variant type: single nucleotide variant.
Coding change: c.841G>A on transcript NM_020911.2 (MANE Select); coding-DNA position 841, G replaced by A.
Protein change: p.Val281Met; replaces valine 281 with methionine.
Molecular consequence: missense variant.
Genome position (GRCh38, 1-based): chr7:132,507,853, C>T on the plus strand (G>A on the coding strand, the complement: PLXNA4 is on the minus strand). VCF-style: chr7-132507853-C-T. GRCh37 (hg19) VCF-style: chr7-132192612-C-T.
Other names: c.841G>A, p.Val281Met (NM_001105543.2, NM_001393897.1, NM_181775.4); short protein forms V281M.
Identifiers: ClinVar variation 3350942 (VCV003350942.2).
Genomic context (GRCh38, chr7:132,507,853, plus strand): 5'-CACAGCCAATGGGCACCTCTACATAGGAGTTGAAGGCTGTGTCCTCCTTGCAAAGCCTCA[C>T]GAGCTTGGATGTATACACCTGCTCCTTGGTGGTGGAGCCTGGTGGAGACACCATCTCAGG-3'
Protein context (NP_065962.1, residues 271-291): TKEQVYTSKL[Val281Met]RLCKEDTAFN

ClinVar aggregate classification (germline): Uncertain significance. Review status: criteria provided, single submitter (1 of 4 stars). 2 submissions from 2 submitters: Uncertain significance (1). 1 of the submissions does not count toward it. Last evaluated 2025-02-22.

Conditions:
PLXNA4-related disorder. Also called: PLXNA4-related condition.

gnomAD v4.1: 86 of 1,614,032 alleles (0.0053%); highest among the groups gnomAD compares: South Asian, 0.0099%; no homozygotes.

Submissions (2):

Ambry Genetics
Classification: Uncertain significance. Last evaluated: 2025-02-22. Review status: criteria provided, single submitter. Criteria: Ambry Variant Classification Scheme 2023. Collection method: clinical testing. Allele origin: germline.

PreventionGenetics, part of Exact Sciences
Classification: Uncertain significance for PLXNA4-related condition. Last evaluated: 2024-06-07. Review status: no assertion criteria provided. Collection method: clinical testing. Allele origin: germline. Not counted in ClinVar's aggregate classification.
Comment: The PLXNA4 c.841G>A variant is predicted to result in the amino acid substitution p.Val281Met. To our knowledge, this variant has not been reported in the literature. This variant is reported in 0.0080% of alleles in individuals of European (Finnish) descent in gnomAD. At this time, the clinical significance of this variant is uncertain due to the absence of conclusive functional and genetic evidence.